The following is an entry in ClinVar:

ClinVar aggregate classification (germline): Uncertain significance. Review status: criteria provided, multiple submitters, no conflicts (2 of 4 stars). 2 submissions from 2 submitters: Uncertain significance (2). Last evaluated 2024-05-12.

Conditions:
Adams-Oliver syndrome 5 (AOS5). Identifiers: Orphanet 974, MedGen C4014970, MONDO:0014459, OMIM 616028.
Familial thoracic aortic aneurysm and aortic dissection (TAAD). Also called: Thoracic aortic aneurysms and dissections. Identifiers: Orphanet 91387, MedGen C4707243, MONDO:0019625.

Allele frequency attached by ClinVar (database versions not stated): TOPMed below 0.00001; gnomAD 0.00001.

Submissions (2):

Labcorp Genetics (formerly Invitae), Labcorp
Classification: Uncertain significance for Adams-Oliver syndrome 5. Last evaluated: 2024-05-12. Review status: criteria provided, single submitter. Criteria: Invitae Variant Classification Sherloc (09022015). Collection method: clinical testing. Allele origin: germline.
Comment: This sequence change replaces threonine, which is neutral and polar, with isoleucine, which is neutral and non-polar, at codon 2477 of the NOTCH1 protein (p.Thr2477Ile). This variant is not present in population databases (gnomAD no frequency). This variant has not been reported in the literature in individuals affected with NOTCH1-related conditions. ClinVar contains an entry for this variant (Variation ID: 1368284). Advanced modeling of protein sequence and biophysical properties (such as structural, functional, and spatial information, amino acid conservation, physicochemical variation, residue mobility, and thermodynamic stability) performed at Invitae indicates that this missense variant is not expected to disrupt NOTCH1 protein function with a negative predictive value of 80%. In summary, the available evidence is currently insufficient to determine the role of this variant in disease. Therefore, it has been classified as a Variant of Uncertain Significance.

Ambry Genetics
Classification: Uncertain significance for Familial thoracic aortic aneurysm and aortic dissection. Last evaluated: 2019-06-27. Review status: criteria provided, single submitter. Criteria: Ambry Variant Classification Scheme 2023. Collection method: clinical testing. Allele origin: germline.
Comment: The p.T2477I variant (also known as c.7430C>T), located in coding exon 34 of the NOTCH1 gene, results from a C to T substitution at nucleotide position 7430. The threonine at codon 2477 is replaced by isoleucine, an amino acid with similar properties. This amino acid position is not well conserved in available vertebrate species. In addition, this alteration is predicted to be tolerated by in silico analysis. Since supporting evidence is limited at this time, the clinical significance of this alteration remains unclear.

NM_017617.5(NOTCH1):c.7430C>T (p.Thr2477Ile)

Gene: NOTCH1 (notch receptor 1; minus strand). Cytogenetic location: 9q34.3.
Variant type: single nucleotide variant.
Coding change: c.7430C>T on transcript NM_017617.5 (MANE Select); coding-DNA position 7430, C replaced by T.
Protein change: p.Thr2477Ile; replaces threonine 2477 with isoleucine.
Molecular consequence: missense variant.
Genome position (GRCh38, 1-based): chr9:136,496,309, G>A on the plus strand (C>T on the coding strand, the complement: NOTCH1 is on the minus strand). VCF-style: chr9-136496309-G-A. GRCh37 (hg19) VCF-style: chr9-139390761-G-A.
Other names: short protein forms T2477I.
Identifiers: ClinVar variation 1368284 (VCV001368284.10), dbSNP rs1373474592, ClinGen allele CA375626330.